The following is an entry in ClinVar:

ClinVar aggregate classification (germline): Uncertain significance (1 of 4 stars; one submission).

Conditions:
Rhabdoid tumor predisposition syndrome 2 (RTPS2). Identifiers: Orphanet 231108, Orphanet 69077, MedGen C2750074, MONDO:0013224, OMIM 613325.

Submission:

Labcorp Genetics (formerly Invitae), Labcorp
Classification: Uncertain significance for Rhabdoid tumor predisposition syndrome 2. Last evaluated: 2019-03-04. Review status: criteria provided, single submitter. Criteria: Invitae Variant Classification Sherloc (09022015). Collection method: clinical testing. Allele origin: germline.
Comment: This variant results in a copy number gain of the genomic region encompassing the full coding sequence of the SMARCA4 gene. The boundaries of this event are unknown as they extend beyond the assayed region for this gene and therefore may encompass additional genes. As the precise location of this event is unknown, it may be in tandem or it may be located elsewhere in the genome. This variant has not been reported in the literature in individuals with SMARCA4-related conditions. Experimental studies are not available for this variant, and the functional significance of a copy number gain of this gene is currently unknown. In summary, the available evidence is currently insufficient to determine the role of this variant in disease. Therefore, it has been classified as a Variant of Uncertain Significance.

NC_000019.10:g.(?_10984142)_(11061826_?)dup

Gene: SMARCA4 (SWI/SNF related BAF chromatin remodeling complex subunit ATPase 4; plus strand). Cytogenetic location: 19p13.2.
Variant type: Duplication.
Identifiers: ClinVar variation 833227 (VCV000833227.1).